The following is an entry in ClinVar:

ClinVar aggregate classification (germline): Uncertain significance (1 of 4 stars; one submission).

Conditions:
Autosomal dominant nocturnal frontal lobe epilepsy 5. Also called: Epilepsy, nocturnal frontal lobe, 5; CILIARY DYSKINESIA, PRIMARY, 28, WITHOUT SITUS INVERSUS; CILIARY DYSKINESIA, PRIMARY, 28, WITH SITUS INVERSUS; KCNT1-Related Epilepsy. Identifiers: Orphanet 98784, MedGen C3554306, MONDO:0014002, OMIM 615005.
Developmental and epileptic encephalopathy, 14 (DEE14). Also called: Early infantile epileptic encephalopathy 14. Identifiers: Orphanet 293181, MedGen C3554195, MONDO:0013989, OMIM 614959.

Allele frequency attached by ClinVar (database versions not stated): gnomAD exomes below 0.00001.
gnomAD v4.1: 1 of 1,484,380 alleles (0.000067%); highest among the groups gnomAD compares: Non-Finnish European, 0.000089%; no homozygotes.

Submission:

Labcorp Genetics (formerly Invitae), Labcorp
Classification: Uncertain significance for Autosomal dominant nocturnal frontal lobe epilepsy 5; Developmental and epileptic encephalopathy, 14. Last evaluated: 2024-10-28. Review status: criteria provided, single submitter. Criteria: Invitae Variant Classification Sherloc (09022015). Collection method: clinical testing. Allele origin: germline.
Comment: This sequence change replaces valine, which is neutral and non-polar, with isoleucine, which is neutral and non-polar, at codon 747 of the KCNT1 protein (p.Val747Ile). This variant is not present in population databases (gnomAD no frequency). This variant has not been reported in the literature in individuals affected with KCNT1-related conditions. Invitae Evidence Modeling of protein sequence and biophysical properties (such as structural, functional, and spatial information, amino acid conservation, physicochemical variation, residue mobility, and thermodynamic stability) indicates that this missense variant is not expected to disrupt KCNT1 protein function with a negative predictive value of 80%. In summary, the available evidence is currently insufficient to determine the role of this variant in disease. Therefore, it has been classified as a Variant of Uncertain Significance.

NM_020822.3(KCNT1):c.2239G>A (p.Val747Ile)

Gene: KCNT1 (potassium sodium-activated channel subfamily T member 1; plus strand). Cytogenetic location: 9q34.3.
Variant type: single nucleotide variant.
Coding change: c.2239G>A on transcript NM_020822.3 (MANE Select); coding-DNA position 2239, G replaced by A.
Protein change: p.Val747Ile; replaces valine 747 with isoleucine.
Molecular consequence: missense variant.
Genome position (GRCh38, 1-based): chr9:135,772,945, G>A. VCF-style: chr9-135772945-G-A. GRCh37 (hg19) VCF-style: chr9-138664791-G-A.
Other names: c.2104G>A, p.Val702Ile (NM_001272003.2); short protein forms V747I, V702I.
Identifiers: ClinVar variation 2932598 (VCV002932598.3), dbSNP rs2490990120, ClinGen allele CA375511284.
Genomic context (GRCh38, chr9:135,772,945, plus strand): 5'-CTGCTGAGCGACCAGTCGGAGGATGAGGTGACGCCGTCGGACGACGAGGGGCTCTCCGTG[G>A]TAGAGTGAGTGCTGCCTTGGAGACGGCTCCCAGTGGGGGGAGGAGCCGCCCATGAGTGCG-3'
Protein context (NP_065873.2, residues 737-757): TPSDDEGLSV[Val747Ile]EYVKGYPPNS